The following is an entry in ClinVar:

NM_001330588.2(TPP2):c.939+9_939+12del

Gene: TPP2 (tripeptidyl peptidase 2; plus strand). Cytogenetic location: 13q33.1.
Variant type: Deletion.
Coding change: c.939+9_939+12del on transcript NM_001330588.2 (MANE Select); bases 9 to 12 of the intron after coding-DNA position 939, 4 bases deleted (TTGT; older notation c.939+9_939+12delTTGT).
Molecular consequence: intron variant.
Genome position (GRCh38, 1-based): chr13:102,627,175-102,627,178, TTGT deleted; deleting any 4 consecutive bases within chr13:102,627,172-102,627,178 gives the same sequence; the c. name uses the placement nearest the transcript's 3' end. VCF-style (leftmost placement, unchanged base first): chr13-102627171-GTGTT-G. GRCh37 (hg19) VCF-style: chr13-103279521-GTGTT-G.
Other names: c.939+9_939+12del (NM_001367947.1, NM_003291.4).
Identifiers: ClinVar variation 4771961 (VCV004771961.1).

ClinVar aggregate classification (germline): Uncertain significance (1 of 4 stars; one submission).

Conditions:
Evans syndrome, immunodeficiency, and premature immunosenescence associated with tripeptidyl-peptidase II deficiency. Identifiers: MedGen CN231723. Disease mechanism: loss of function.

Submission:

Labcorp Genetics (formerly Invitae), Labcorp
Classification: Uncertain significance for Evans syndrome, immunodeficiency, and premature immunosenescence associated with tripeptidyl-peptidase II deficiency. Last evaluated: 2025-11-17. Review status: criteria provided, single submitter. Criteria: Invitae Variant Classification Sherloc (09022015). Collection method: clinical testing. Allele origin: germline.
Comment: This sequence change falls in intron 7 of the TPP2 gene. It does not directly change the encoded amino acid sequence of the TPP2 protein. This variant is not present in population databases (gnomAD no frequency). This variant has not been reported in the literature in individuals affected with TPP2-related conditions. Algorithms developed to predict the effect of sequence changes on RNA splicing suggest that this variant may create or strengthen a splice site. In summary, the available evidence is currently insufficient to determine the role of this variant in disease. Therefore, it has been classified as a Variant of Uncertain Significance.